The following is an entry in ClinVar:

ClinVar aggregate classification (germline): Pathogenic (1 of 4 stars; one submission).

Conditions:
X-linked severe combined immunodeficiency (SCIDX1). Also called: X-Linked Combined Immunodeficiency Diseases; IMMUNODEFICIENCY 4; SCID, X-LINKED; SEVERE COMBINED IMMUNODEFICIENCY, X-LINKED, T CELL-NEGATIVE, B CELL-POSITIVE, NK CELL-NEGATIVE; T-B+ severe combined immunodeficiency due to gamma chain deficiency. Identifiers: Orphanet 276, MedGen C6022468, MONDO:0010315, OMIM 300400. Disease mechanism: loss of function.

Submission:

Labcorp Genetics (formerly Invitae), Labcorp
Classification: Pathogenic for X-linked severe combined immunodeficiency. Last evaluated: 2021-09-09. Review status: criteria provided, single submitter. Criteria: Invitae Variant Classification Sherloc (09022015). Collection method: clinical testing. Allele origin: germline.
Comment: This variant is a gross deletion of the genomic region encompassing exon(s) 7 of the IL2RG gene. While this deletion is not anticipated to lead to nonsense mediated decay, it is expected to disrupt the C-terminus of the protein. A similar copy number variant has been observed in individuals with severe combined immunodeficiency (SCID) (PMID: 21184155; Invitae). This variant disrupts a region of the IL2RG protein in which other variant(s) (p.Arg328*) have been determined to be pathogenic (PMID: 28747913, 30622570, 31799703). This suggests that this is a clinically significant region of the protein, and that variants that disrupt it are likely to be disease-causing. For these reasons, this variant has been classified as Pathogenic.

Literature cited by the submitters: PubMed 21184155; PubMed 28747913; PubMed 30622570; PubMed 31799703.

NC_000023.10:g.(?_70328107)_(70328216_?)del

Gene: IL2RG (interleukin 2 receptor subunit gamma; minus strand). Cytogenetic location: Xq13.1.
Variant type: Deletion.
Identifiers: ClinVar variation 1070717 (VCV001070717.6).